The following is an entry in ClinVar:

ClinVar aggregate classification (germline): Uncertain significance. Review status: criteria provided, multiple submitters, no conflicts (2 of 4 stars). 4 submissions from 4 submitters: Uncertain significance (4). Last evaluated 2025-11-18.

Conditions:
Hereditary cancer-predisposing syndrome. Also called: Hereditary neoplastic syndrome; Tumor predisposition; Neoplastic Syndromes, Hereditary; Hereditary Cancer Syndrome. Identifiers: Orphanet 140162, MedGen C0027672, MeSH D009386, MONDO:0015356.
Hereditary breast ovarian cancer syndrome. Also called: Hereditary breast and ovarian cancer; Hereditary breast and/or ovarian cancer syndrome; Hereditary breast and ovarian cancer syndrome; Hereditary breast and ovarian cancer syndrome (HBOC); Breast and ovarian cancer; BRCA1- and BRCA2-Associated Hereditary Breast and Ovarian Cancer. Identifiers: Orphanet 145, MedGen C0677776, MeSH D061325, MONDO:0003582. Disease mechanism: loss of function.

gnomAD v4.1: 1 of 1,613,152 alleles (0.000062%); highest among the groups gnomAD compares: Non-Finnish European, 0.000085%; no homozygotes.

Submissions (4):

Color Diagnostics, LLC DBA Color Health
Classification: Uncertain significance for Hereditary cancer-predisposing syndrome. Last evaluated: 2025-11-18. Review status: criteria provided, single submitter. Criteria: ACMG Guidelines, 2015. Collection method: clinical testing. Allele origin: germline.
Comment: This missense variant replaces lysine with glutamic acid at codon 169 of the BRCA2 protein. Computational prediction suggests that this variant may not impact protein structure and function. To our knowledge, functional studies have not been reported for this variant. This variant has not been reported in individuals affected with BRCA2-related disorders in the literature. This variant has been identified in 1/1613152 chromosomes in the general population by the Genome Aggregation Database (gnomAD). The available evidence is insufficient to determine the role of this variant in disease conclusively. Therefore, this variant is classified as a Variant of Uncertain Significance.

Ambry Genetics
Classification: Uncertain significance for Hereditary cancer-predisposing syndrome. Last evaluated: 2025-07-25. Review status: criteria provided, single submitter. Criteria: Ambry Variant Classification Scheme 2023. Collection method: clinical testing. Allele origin: germline.
Comment: The p.K169E variant (also known as c.505A>G), located in coding exon 5 of the BRCA2 gene, results from an A to G substitution at nucleotide position 505. The lysine at codon 169 is replaced by glutamic acid, an amino acid with similar properties. This amino acid position is conserved. In addition, this alteration is predicted to be tolerated by in silico analysis. Based on the available evidence, the clinical significance of this variant remains unclear.

Labcorp Genetics (formerly Invitae), Labcorp
Classification: Uncertain significance for Hereditary breast ovarian cancer syndrome. Last evaluated: 2019-08-31. Review status: criteria provided, single submitter. Criteria: Invitae Variant Classification Sherloc (09022015). Collection method: clinical testing. Allele origin: germline.
Comment: In summary, the available evidence is currently insufficient to determine the role of this variant in disease. Therefore, it has been classified as a Variant of Uncertain Significance. Algorithms developed to predict the effect of sequence changes on RNA splicing suggest that this variant may create or strengthen a splice site, but this prediction has not been confirmed by published transcriptional studies. Algorithms developed to predict the effect of missense changes on protein structure and function are either unavailable or do not agree on the potential impact of this missense change (SIFT: "Tolerated"; PolyPhen-2: "Possibly Damaging"; Align-GVGD: "Class C0"). This variant has not been reported in the literature in individuals with BRCA2-related conditions. ClinVar contains an entry for this variant (Variation ID: 419318). This variant is not present in population databases (ExAC no frequency). This sequence change replaces lysine with glutamic acid at codon 169 of the BRCA2 protein (p.Lys169Glu). The lysine residue is moderately conserved and there is a small physicochemical difference between lysine and glutamic acid.

GeneDx
Classification: Uncertain significance. Last evaluated: 2015-06-24. Review status: criteria provided, single submitter. Criteria: GeneDx Variant Classification (06012015). Collection method: clinical testing. Allele origin: germline. Affected: yes.
Comment: This variant is denoted BRCA2 c.505A>G at the cDNA level, p.Lys169Glu (K169E) at the protein level, and results in the change of a Lysine to a Glutamic Acid (AAG>GAG). Using alternate nomenclature, this variant would be defined as BRCA2 733A>G. This variant has not, to our knowledge, been published in the literature as pathogenic or benign. BRCA2 Lys169Glu was not observed in approximately 6,500 individuals of European and African American ancestry in the NHLBI Exome Sequencing Project, indicating it is not a common benign variant in these populations. Since Lysine and Glutamic Acid differ in polarity, charge, size or other properties, this is considered a non-conservative amino acid substitution. BRCA2 Lys169Glu occurs at a position where amino acids with properties similar to Lysine are tolerated across species and is not located in a known functional domain (Roy 2012). In silico analyses are inconsistent regarding the effect this variant may have on protein structure and function. Based on currently available information, it is unclear whether BRCA2 Lys169Glu is pathogenic or benign. We consider it to be a variant of uncertain significance.

NM_000059.4(BRCA2):c.505A>G (p.Lys169Glu)

Gene: BRCA2 (BRCA2 DNA repair associated; plus strand). Cytogenetic location: 13q13.1.
Variant type: single nucleotide variant.
Coding change: c.505A>G on transcript NM_000059.4 (MANE Select); coding-DNA position 505, A replaced by G.
Protein change: p.Lys169Glu; replaces lysine 169 with glutamic acid.
Molecular consequence: missense variant.
Genome position (GRCh38, 1-based): chr13:32,326,271, A>G. VCF-style: chr13-32326271-A-G. GRCh37 (hg19) VCF-style: chr13-32900408-A-G.
Other names: short protein forms K169E.
Identifiers: ClinVar variation 419318 (VCV000419318.13), dbSNP rs41293467, ClinGen allele CA16619645.
Genomic context (GRCh38, chr13:32,326,271, plus strand): 5'-CTTAACAATTTTCCCCTTTTTTTACCCCCAGTGGTATGTGGGAGTTTGTTTCATACACCA[A>G]AGTTTGTGAAGGTAAATATTCTACCTGGTTTATTTTTATGACTTAGTAATTGAGAATTTG-3'
Protein context (NP_000050.3, residues 159-179): VVCGSLFHTP[Lys169Glu]FVKGRQTPKH